The following is an entry in ClinVar:

ClinVar aggregate classification (germline): Benign/Likely benign. Review status: criteria provided, multiple submitters, no conflicts (2 of 4 stars). 7 submissions from 7 submitters: Benign (2); Likely benign (5). Last evaluated 2026-07-01.

Conditions:
Ullrich congenital muscular dystrophy 2 (UCMD2). Identifiers: Orphanet 75840, MedGen C4225314, MONDO:0014654, OMIM 616470.
Bethlem myopathy 2 (BTHLM2). Identifiers: Orphanet 536516, Orphanet 610, MedGen C4225313, MONDO:0034022, OMIM 616471.

Allele frequency attached by ClinVar (database versions not stated): gnomAD exomes 0.00026 and 0.00055; ExAC 0.00062; ESP Exome Variant Server 0.00101; gnomAD 0.00163 and 0.00173; TOPMed 0.00192; 1000 Genomes Project 0.00260; 1000 Genomes Project 30x 0.00281.
gnomAD v4.1: 649 of 1,613,238 alleles (0.04%); highest among the groups gnomAD compares: African/African-American, 0.51%; 1 homozygote.

Submissions (7):

CeGaT Center for Human Genetics Tuebingen
Classification: Likely benign. Last evaluated: 2026-07-01. Review status: criteria provided, single submitter. Criteria: CeGaT Center For Human Genetics Tuebingen Variant Classification Criteria Version 2. Collection method: clinical testing. Allele origin: germline. Affected: yes. Observed: 4 variant alleles.
Comment: COL12A1: BP4, BP7

Labcorp Genetics (formerly Invitae), Labcorp
Classification: Benign for Bethlem myopathy 2; Ullrich congenital muscular dystrophy 2. Last evaluated: 2026-01-18. Review status: criteria provided, single submitter. Criteria: Invitae Variant Classification Sherloc (09022015). Collection method: clinical testing. Allele origin: germline.

Women's Health and Genetics/Laboratory Corporation of America, LabCorp
Classification: Likely benign. Last evaluated: 2025-02-10. Review status: criteria provided, single submitter. Criteria: LabCorp Variant Classification Summary - May 2015. Collection method: clinical testing. Allele origin: germline.

Blueprint Genetics
Classification: Likely benign. Last evaluated: 2024-09-09. Review status: criteria provided, single submitter. Criteria: ACMG Guidelines, 2015. Collection method: clinical testing. Allele origin: germline.

GeneDx
Classification: Likely benign. Last evaluated: 2021-08-02. Review status: criteria provided, single submitter. Criteria: GeneDx Variant Classification Process June 2021. Collection method: clinical testing. Allele origin: germline. Affected: yes.

Breakthrough Genomics
Classification: Likely benign. Review status: criteria provided, single submitter. Criteria: ACMG Guidelines, 2015. Collection method: not provided. Allele origin: germline. Inheritance: Autosomal recessive inheritance. Affected: yes.

PreventionGenetics, part of Exact Sciences
Classification: Benign. Review status: criteria provided, single submitter. Criteria: ACMG Guidelines, 2015. Collection method: clinical testing. Allele origin: germline.

NM_004370.6(COL12A1):c.5727C>T (p.Tyr1909=)

Gene: COL12A1 (collagen type XII alpha 1 chain; minus strand). Cytogenetic location: 6q13.
Variant type: single nucleotide variant.
Coding change: c.5727C>T on transcript NM_004370.6 (MANE Select); coding-DNA position 5727, C replaced by T.
Protein change: p.Tyr1909=; no amino-acid change (tyrosine 1909 retained).
Molecular consequence: synonymous variant.
Genome position (GRCh38, 1-based): chr6:75,133,360, G>A on the plus strand (C>T on the coding strand, the complement: COL12A1 is on the minus strand). VCF-style: chr6-75133360-G-A. GRCh37 (hg19) VCF-style: chr6-75843076-G-A.
Other names: c.2235C>T, p.Tyr745= (NM_080645.3).
Identifiers: ClinVar variation 259340 (VCV000259340.42), dbSNP rs146146364, ClinGen allele CA3893030.